The following is an entry in ClinVar:

ClinVar aggregate classification (germline): Uncertain significance. Review status: criteria provided, multiple submitters, no conflicts (2 of 4 stars). 7 submissions from 3 submitters: Uncertain significance (7). Last evaluated 2025-01-06.

Conditions:
Dilated cardiomyopathy 1G (CMD1G). Identifiers: Orphanet 154, MedGen C1858763, MONDO:0011400, OMIM 604145.
Autosomal recessive limb-girdle muscular dystrophy type 2J (LGMDR10). Also called: MUSCULAR DYSTROPHY, LIMB-GIRDLE, AUTOSOMAL RECESSIVE 10; Limb-girdle muscular dystrophy, type 2J. Identifiers: Orphanet 140922, MedGen C1837342, MONDO:0012127, OMIM 608807.
Tibial muscular dystrophy (TMD). Also called: Udd Distal Myopathy – Tibial Muscular Dystrophy; UDD MYOPATHY; Tibial muscular dystrophy, tardive. Identifiers: Orphanet 609, MedGen C1838244, MONDO:0010870, OMIM 600334.
Early-onset myopathy with fatal cardiomyopathy (CMYO5). Also called: CONGENITAL MYOPATHY 5 WITH CARDIOMYOPATHY; Salih Myopathy. Identifiers: Orphanet 289377, MedGen C2673677, MONDO:0012714, OMIM 611705. Disease mechanism: loss of function.
Myopathy, myofibrillar, 9, with early respiratory failure (MFM9). Also called: Myopathy, distal, with early respiratory failure, autosomal dominant; Hereditary myopathy with early respiratory failure; EDSTROM MYOPATHY; MYOPATHY, PROXIMAL, WITH EARLY RESPIRATORY MUSCLE INVOLVEMENT. Identifiers: Orphanet 178464, Orphanet 34521, MedGen C1863599, MONDO:0011362, OMIM 603689.

Allele frequency attached by ClinVar (database versions not stated): gnomAD exomes below 0.00001; TOPMed 0.00001.
gnomAD v4.1: 2 of 1,613,952 alleles (0.00012%); highest among the groups gnomAD compares: Non-Finnish European, 0.000085%; no homozygotes.

Submissions (7):

Labcorp Genetics (formerly Invitae), Labcorp
Classification: Uncertain significance for Dilated cardiomyopathy 1G; Autosomal recessive limb-girdle muscular dystrophy type 2J. Last evaluated: 2025-01-06. Review status: criteria provided, single submitter. Criteria: Invitae Variant Classification Sherloc (09022015). Collection method: clinical testing. Allele origin: germline.
Comment: This sequence change replaces glutamic acid, which is acidic and polar, with lysine, which is basic and polar, at codon 35356 of the TTN protein (p.Glu35356Lys). This variant is present in population databases (no rsID available, gnomAD 0.0009%). This variant has not been reported in the literature in individuals affected with TTN-related conditions. ClinVar contains an entry for this variant (Variation ID: 332682). Experimental studies and prediction algorithms are not available or were not evaluated, and the functional significance of this variant is currently unknown. This variant is located in the M band of TTN (PMID: 25589632). Non-truncating variants in this region may be relevant for neuromuscular disorders, but have not been definitively shown to cause cardiomyopathy (PMID: 23975875). In summary, the available evidence is currently insufficient to determine the role of this variant in disease. Therefore, it has been classified as a Variant of Uncertain Significance.

Revvity Omics, Revvity
Classification: Uncertain significance. Last evaluated: 2022-04-18. Review status: criteria provided, single submitter. Criteria: ACMG Guidelines, 2015. Collection method: clinical testing. Allele origin: germline.

Illumina Laboratory Services, Illumina
Classification: Uncertain significance for Early-onset myopathy with fatal cardiomyopathy. Last evaluated: 2018-01-12. Review status: criteria provided, single submitter. Criteria: ICSL Variant Classification Criteria 13 December 2019. Collection method: clinical testing. Allele origin: germline.

Illumina Laboratory Services, Illumina
Classification: Uncertain significance for Tibial muscular dystrophy. Last evaluated: 2018-01-12. Review status: criteria provided, single submitter. Criteria: ICSL Variant Classification Criteria 13 December 2019. Collection method: clinical testing. Allele origin: germline.

Illumina Laboratory Services, Illumina
Classification: Uncertain significance for Dilated cardiomyopathy 1G. Last evaluated: 2018-01-12. Review status: criteria provided, single submitter. Criteria: ICSL Variant Classification Criteria 13 December 2019. Collection method: clinical testing. Allele origin: germline.

Illumina Laboratory Services, Illumina
Classification: Uncertain significance for Myopathy, myofibrillar, 9, with early respiratory failure. Last evaluated: 2018-01-12. Review status: criteria provided, single submitter. Criteria: ICSL Variant Classification Criteria 13 December 2019. Collection method: clinical testing. Allele origin: germline.

Illumina Laboratory Services, Illumina
Classification: Uncertain significance for Autosomal recessive limb-girdle muscular dystrophy type 2J. Last evaluated: 2018-01-12. Review status: criteria provided, single submitter. Criteria: ICSL Variant Classification Criteria 13 December 2019. Collection method: clinical testing. Allele origin: germline.

Literature cited by the submitters: PubMed 25589632 (cited by Labcorp Genetics (formerly Invitae), Labcorp); PubMed 23975875 (cited by Labcorp Genetics (formerly Invitae), Labcorp).

NM_001267550.2(TTN):c.106066G>A (p.Glu35356Lys)

Genes: TTN (titin; minus strand), TTN-AS1 (TTN antisense RNA 1; plus strand), LOC129935182 (ATAC-STARR-seq lymphoblastoid active region 16807; plus strand). Cytogenetic location: 2q31.2.
Variant type: single nucleotide variant.
Coding change: c.106066G>A on transcript NM_001267550.2 (MANE Select); coding-DNA position 106066, G replaced by A.
Protein change: p.Glu35356Lys; replaces glutamic acid 35356 with lysine.
Molecular consequence: missense variant.
Genome position (GRCh38, 1-based): chr2:178,530,549, C>T on the plus strand (G>A on the coding strand, the complement: TTN is on the minus strand). VCF-style: chr2-178530549-C-T. GRCh37 (hg19) VCF-style: chr2-179395276-C-T.
Other names: c.101143G>A, p.Glu33715Lys (NM_001256850.1); c.78871G>A, p.Glu26291Lys (NM_003319.4); c.98362G>A, p.Glu32788Lys (NM_133378.4); c.79246G>A, p.Glu26416Lys (NM_133432.3); c.79447G>A, p.Glu26483Lys (NM_133437.4); short protein forms E35356K, E32788K, E26291K, E26416K, E26483K, E33715K.
Identifiers: ClinVar variation 332682 (VCV000332682.14), dbSNP rs886055218, ClinGen allele CA10611592.